The following is an entry in ClinVar:

ClinVar aggregate classification (germline): Uncertain significance (1 of 4 stars; one submission).

Conditions:
Sotos syndrome (SOTOS). Also called: CEREBRAL GIGANTISM; Sotos' syndrome; Distinctive facial appearance, overgrowth in childhood, and learning disabilities or delayed development; CHROMOSOME 5q35 DELETION SYNDROME; SOTOS SYNDROME 1. Identifiers: Orphanet 821, MedGen C0175695, MONDO:0019349, OMIM 117550.

gnomAD v4.1: 1 of 1,613,430 alleles (0.000062%); highest among the groups gnomAD compares: African/African-American, 0.0013%; no homozygotes.

Submission:

Dasa
Classification: Uncertain significance for Sotos syndrome. Last evaluated: 2025-06-20. Review status: criteria provided, single submitter. Criteria: DASA Assertion Criteria. Collection method: clinical testing. Allele origin: germline.
Comment: NM_022455.5(NSD1):c.6902G>C (p.Gly2301Ala) is a missense variant that results in the substitution of glycine with alanine. This variant is rare in population databases. Computational prediction algorithms are consistent with a benign effect. The currently available literature and clinical evidence are not sufficient to establish a definitive association between this variant and the reported condition. Therefore, this variant is classified as a variant of uncertain significance.

NM_022455.5(NSD1):c.6902G>C (p.Gly2301Ala)

Gene: NSD1 (nuclear receptor binding SET domain protein 1; plus strand). Cytogenetic location: 5q35.3.
Variant type: single nucleotide variant.
Coding change: c.6902G>C on transcript NM_022455.5 (MANE Select); coding-DNA position 6902, G replaced by C.
Protein change: p.Gly2301Ala; replaces glycine 2301 with alanine.
Molecular consequence: missense variant.
Genome position (GRCh38, 1-based): chr5:177,294,270, G>C. VCF-style: chr5-177294270-G-C. GRCh37 (hg19) VCF-style: chr5-176721271-G-C.
Other names: c.6902G>C, p.Gly2301Ala (NM_001409302.1, NM_001409303.1, NM_001409301.1); c.6482G>C, p.Gly2161Ala (NM_001409304.1); c.6149G>C, p.Gly2050Ala (NM_001409305.1); c.6140G>C, p.Gly2047Ala (NM_001409306.1, NM_001409307.1); c.6029G>C, p.Gly2010Ala (NM_001409308.1, NM_172349.5, NM_001365684.2); c.5780G>C, p.Gly1927Ala (NM_001409309.1); short protein forms G1927A, G2010A, G2047A, G2050A, G2161A, G2301A.
Identifiers: ClinVar variation 4881047 (VCV004881047.2).
Genomic context (GRCh38, chr5:177,294,270, plus strand): 5'-GACCTCTTGAGAGAACTGACTCCAGGCCCCAGCCTTTAGATAAGGTCAGAGACCTCGCTG[G>C]GTCAGGGACCAAATCCCAATCCTTGGTTTCCAGCCAGAGGCCACTGGACAGGCCACCAGC-3'
Protein context (NP_071900.2, residues 2291-2311): QPLDKVRDLA[Gly2301Ala]SGTKSQSLVS